The following is an entry in ClinVar:

ClinVar aggregate classification (germline): Uncertain significance. Review status: criteria provided, multiple submitters, no conflicts (2 of 4 stars). 3 submissions from 3 submitters: Uncertain significance (3). Last evaluated 2026-07-02.

Conditions:
Aortic aneurysm, familial thoracic 4 (AAT4). Also called: AORTIC ANEURYSM/AORTIC DISSECTION AND PATENT DUCTUS ARTERIOSUS. Identifiers: MedGen C1851504, MONDO:0007568, OMIM 132900.
Familial thoracic aortic aneurysm and aortic dissection (TAAD). Also called: Thoracic aortic aneurysms and dissections. Identifiers: Orphanet 91387, MedGen C4707243, MONDO:0019625.

Allele frequency attached by ClinVar (database versions not stated): TOPMed 0.00001.

Submissions (3):

Ambry Genetics
Classification: Uncertain significance for Familial thoracic aortic aneurysm and aortic dissection. Last evaluated: 2026-07-02. Review status: criteria provided, single submitter. Criteria: Ambry Variant Classification Scheme 2023. Collection method: clinical testing. Allele origin: germline.
Comment: The p.K1795E variant (also known as c.5383A>G), located in coding exon 37 of the MYH11 gene, results from an A to G substitution at nucleotide position 5383. The lysine at codon 1795 is replaced by glutamic acid, an amino acid with similar properties. This amino acid position is conserved. In addition, this alteration is predicted to be deleterious by in silico analysis. Based on the available evidence, the clinical significance of this variant remains unclear.

Labcorp Genetics (formerly Invitae), Labcorp
Classification: Uncertain significance for Aortic aneurysm, familial thoracic 4. Last evaluated: 2023-08-07. Review status: criteria provided, single submitter. Criteria: Invitae Variant Classification Sherloc (09022015). Collection method: clinical testing. Allele origin: germline.
Comment: This sequence change replaces lysine, which is basic and polar, with glutamic acid, which is acidic and polar, at codon 1802 of the MYH11 protein (p.Lys1802Glu). This variant is not present in population databases (gnomAD no frequency). This variant has not been reported in the literature in individuals affected with MYH11-related conditions. ClinVar contains an entry for this variant (Variation ID: 2499808). Advanced modeling of protein sequence and biophysical properties (such as structural, functional, and spatial information, amino acid conservation, physicochemical variation, residue mobility, and thermodynamic stability) performed at Invitae indicates that this missense variant is not expected to disrupt MYH11 protein function. In summary, the available evidence is currently insufficient to determine the role of this variant in disease. Therefore, it has been classified as a Variant of Uncertain Significance.

GeneDx
Classification: Uncertain significance. Last evaluated: 2022-10-21. Review status: criteria provided, single submitter. Criteria: GeneDx Variant Classification Process June 2021. Collection method: clinical testing. Allele origin: germline. Affected: yes.
Comment: Has not been previously published as pathogenic or benign to our knowledge; Not observed at significant frequency in large population cohorts (gnomAD); In silico analysis supports that this missense variant has a deleterious effect on protein structure/function

NM_002474.3(MYH11):c.5383A>G (p.Lys1795Glu)

Genes: MYH11 (myosin heavy chain 11; minus strand), NDE1 (nudE neurodevelopment protein 1; plus strand). Cytogenetic location: 16p13.11.
Variant type: single nucleotide variant.
Coding change: c.5383A>G on transcript NM_002474.3 (MANE Select); coding-DNA position 5383, A replaced by G.
Protein change: p.Lys1795Glu; replaces lysine 1795 with glutamic acid.
Molecular consequence: missense variant. On other transcripts: intron variant (2).
Genome position (GRCh38, 1-based): chr16:15,717,261, T>C on the plus strand (A>G on the coding strand, the complement: MYH11 is on the minus strand). VCF-style: chr16-15717261-T-C. GRCh37 (hg19) VCF-style: chr16-15811118-T-C.
Other names: c.5404A>G, p.Lys1802Glu (NM_001040114.2, NM_001040113.2); c.5383A>G, p.Lys1795Glu (NM_022844.3); c.948-6930T>C (NM_001143979.2, NM_017668.3); short protein forms K1795E, K1802E.
Identifiers: ClinVar variation 2499808 (VCV002499808.3), dbSNP rs2040207703, ClinGen allele CA394849010.